The following is an entry in ClinVar:

NM_000899.5(KITLG):c.108T>A (p.Asn36Lys)

Gene: KITLG (KIT ligand; minus strand). Cytogenetic location: 12q21.32.
Variant type: single nucleotide variant.
Coding change: c.108T>A on transcript NM_000899.5 (MANE Select); coding-DNA position 108, T replaced by A.
Protein change: p.Asn36Lys; replaces asparagine 36 with lysine.
Molecular consequence: missense variant.
Genome position (GRCh38, 1-based): chr12:88,545,773, A>T on the plus strand (T>A on the coding strand, the complement: KITLG is on the minus strand). VCF-style: chr12-88545773-A-T. GRCh37 (hg19) VCF-style: chr12-88939550-A-T.
Other names: c.108T>A, p.Asn36Lys (NM_003994.6); short protein forms N36K.
Identifiers: ClinVar variation 379240 (VCV000379240.2), dbSNP rs1057520539, ClinGen allele CA16606383.

ClinVar aggregate classification (germline): Pathogenic (1 of 4 stars; one submission).

Submission:

GeneDx
Classification: Pathogenic. Last evaluated: 2015-03-13. Review status: criteria provided, single submitter. Criteria: GeneDx Variant Classification (06012015). Collection method: clinical testing. Allele origin: germline. Affected: yes.
Comment: The N36K variant in the KITLG gene has not been reported previously as pathogenicnor as a benign polymorphism, to our knowledge. The N36K substitution was not observed in approximately6500 individuals of European and African American ancestry in the NHLBI Exome Sequencing Project,indicating it is not a common benign variant in these populations. The N36K variant is a semi-conservative amino acid substitution, which may impact secondary protein structure as these residuesdiffer in some properties. This substitution occurs at a position that is not conserved across species. Insilico analysis is inconsistent in its predictions as to whether or not the variant is damaging to the proteinstructure/function; however, a gain-of-function missense variant, N36S, has been reported in the sameresidue in association with familial progressive hyperpigmentation with or without hypopigmentation(Wang et al., 2009; Amyere et al., 2011) supporting the functional importance of this region of the protein. We therefore interpret this variant as pathogenic.